The following is an entry in ClinVar:

ClinVar aggregate classification (germline): Likely pathogenic (1 of 4 stars; one submission).

Conditions:
Intellectual developmental disorder with autism and macrocephaly. Also called: Autism, susceptibility to, 18; CHD8-Related Neurodevelopmental Disorder with Overgrowth. Identifiers: Orphanet 642675, MedGen C3554373, MONDO:0014017, OMIM 615032.

Submission:

Medical Genetics Clinic, University of Catania
Classification: Likely pathogenic for Intellectual developmental disorder with autism and macrocephaly. Last evaluated: 2025-09-11. Review status: criteria provided, single submitter. Criteria: ACMG Guidelines, 2015. Collection method: clinical testing. Allele origin: de novo. Inheritance: Autosomal dominant inheritance. Affected: yes.
Comment: The c.529C>T variant in the CHD8 gene is absent in GnomAD. This variant generates a premature stop codon in the exon 2 of a total of 38 exons (p.Gln177*) and is predicted to lead to a loss of normal protein function, either through protein truncation or nonsense-mediated mRNA decay. Loss of function is an established disease-mechanism in this gene.This variant has been detected in a patient with autism (PMID 35982159). In silico prediction tool suggests a detrimental effect on the structure/activity of the protein (MutationTaster: disease causing). In the light of the above the c.529C>T (p.Gln177*) variant in the CHD8 gene has been classified as a Likely Pathogenic Variant.

Literature cited by the submitters: PubMed 35982159.

NM_001170629.2(CHD8):c.529C>T (p.Gln177Ter)

Gene: CHD8 (chromodomain helicase DNA binding protein 8; minus strand). Cytogenetic location: 14q11.2.
Variant type: single nucleotide variant.
Coding change: c.529C>T on transcript NM_001170629.2 (MANE Select); coding-DNA position 529, C replaced by T.
Protein change: p.Gln177Ter; replaces glutamine 177 with a stop codon.
Molecular consequence: nonsense. On other transcripts: intron variant (1).
Genome position (GRCh38, 1-based): chr14:21,431,115, G>A on the plus strand (C>T on the coding strand, the complement: CHD8 is on the minus strand). VCF-style: chr14-21431115-G-A. GRCh37 (hg19) VCF-style: chr14-21899274-G-A.
Other names: p.Gln177*; c.6+696C>T (NM_020920.4); short protein forms Q177*.
Identifiers: ClinVar variation 4277304 (VCV004277304.1).